The following is an entry in ClinVar:

NM_032447.5(FBN3):c.4108G>A (p.Val1370Met)

Gene: FBN3 (fibrillin 3; minus strand). Cytogenetic location: 19p13.2.
Variant type: single nucleotide variant.
Coding change: c.4108G>A on transcript NM_032447.5 (MANE Select); coding-DNA position 4108, G replaced by A.
Protein change: p.Val1370Met; replaces valine 1370 with methionine.
Molecular consequence: missense variant.
Genome position (GRCh38, 1-based): chr19:8,111,160, C>T on the plus strand (G>A on the coding strand, the complement: FBN3 is on the minus strand). VCF-style: chr19-8111160-C-T. GRCh37 (hg19) VCF-style: chr19-8176044-C-T.
Other names: c.4108G>A (NM_001321431.1); c.4108G>A, p.Val1370Met (NM_001321431.2); short protein forms V1370M.
Identifiers: ClinVar variation 2063718 (VCV002063718.6), dbSNP rs117092804, ClinGen allele CA9152172.

ClinVar aggregate classification (germline): Benign. Review status: criteria provided, single submitter (1 of 4 stars). 2 submissions from 2 submitters: Benign (1). 1 of the submissions does not count toward it. Last evaluated 2025-10-14.

Conditions:
FBN3-related disorder. Also called: FBN3-related condition.

Allele frequency attached by ClinVar (database versions not stated): gnomAD 0.00083; TOPMed 0.00104; ExAC 0.00174; 1000 Genomes Project 30x 0.00312; 1000 Genomes Project 0.00359.
gnomAD v4.1: 925 of 1,608,184 alleles (0.058%); highest among the groups gnomAD compares: East Asian, 1.7%; 15 homozygotes.

Submissions (2):

Labcorp Genetics (formerly Invitae), Labcorp
Classification: Benign. Last evaluated: 2025-10-14. Review status: criteria provided, single submitter. Criteria: Invitae Variant Classification Sherloc (09022015). Collection method: clinical testing. Allele origin: germline.

PreventionGenetics, part of Exact Sciences
Classification: Benign for FBN3-related condition. Last evaluated: 2019-06-17. Review status: no assertion criteria provided. Collection method: clinical testing. Allele origin: germline. Not counted in ClinVar's aggregate classification.
Comment: This variant is classified as benign based on ACMG/AMP sequence variant interpretation guidelines (Richards et al. 2015 PMID: 25741868, with internal and published modifications).